The following is an entry in ClinVar:

ClinVar aggregate classification (germline): Uncertain significance (0 of 4 stars; one submission).

Conditions:
Carcinoma of colon (CRC). Also called: Colonic carcinoma; Colon carcinoma. Identifiers: MedGen C0699790, MONDO:0002032.

Submission:

Immunobiology Lab; University of Kashmir
Classification: Uncertain significance for Carcinoma of colon. Last evaluated: 2015-01-24. Review status: no assertion criteria provided. Collection method: case-control. Allele origin: somatic. Affected: yes. Study: Mutational Hotspot profiling of Tyrosine Kinase domain of VEGF receptors in Human colorectal tumors.
Comment: The variation(s) were confirmed by double pass sequencing of PCR products amplified from genomic DNA of colonic lesions fron colorectal patients

NM_182925.5(FLT4):c.2502T>A (p.Asp834Glu)

Genes: FLT4 (fms related receptor tyrosine kinase 4; minus strand), LOC126807632 (CDK7 strongly-dependent group 2 enhancer GRCh37_chr5:180046831-180048030; plus strand). Cytogenetic location: 5q35.3.
Variant type: single nucleotide variant.
Coding change: c.2502T>A on transcript NM_182925.5 (MANE Select); coding-DNA position 2502, T replaced by A.
Protein change: p.Asp834Glu; replaces aspartic acid 834 with glutamic acid.
Molecular consequence: missense variant.
Genome position (GRCh38, 1-based): chr5:180,620,213, A>T on the plus strand (T>A on the coding strand, the complement: FLT4 is on the minus strand). VCF-style: chr5-180620213-A-T. GRCh37 (hg19) VCF-style: chr5-180047213-A-T.
Other names: KM484813; c.2502T>A, p.Asp834Glu (NM_001354989.2, NM_002020.5); short protein forms D834E.
Identifiers: ClinVar variation 204344 (VCV000204344.3), dbSNP rs796052101, ClinGen allele CA251278.